The following is an entry in ClinVar:

NM_001374736.1(DST):c.2619+4T>C

Gene: DST (dystonin; minus strand). Cytogenetic location: 6p12.1.
Variant type: single nucleotide variant.
Coding change: c.2619+4T>C on transcript NM_001374736.1 (MANE Select); 4 bases into the intron after coding-DNA position 2619, T replaced by C.
Molecular consequence: intron variant.
Genome position (GRCh38, 1-based): chr6:56,639,925, A>G on the plus strand (T>C on the coding strand, the complement: DST is on the minus strand). VCF-style: chr6-56639925-A-G. GRCh37 (hg19) VCF-style: chr6-56504723-A-G.
Other names: c.2520+4T>C (NM_001144769.5); c.2619+4T>C (NM_001374722.1); c.2646+4T>C (NM_001374734.1); c.2106+4T>C (NM_001144770.2); c.1986+4T>C (NM_001374730.1, NM_001386100.1, NM_183380.4 and 1 more transcripts); c.1008+4T>C (NM_015548.5, NM_001723.7).
Identifiers: ClinVar variation 1792531 (VCV001792531.2), dbSNP rs770249608, ClinGen allele CA3871383.

ClinVar aggregate classification (germline): Uncertain significance (1 of 4 stars; one submission).

Conditions:
Inborn genetic diseases. Identifiers: MedGen C0950123, MeSH D030342.

Allele frequency attached by ClinVar (database versions not stated): gnomAD 0.00001; gnomAD exomes 0.00001; ExAC 0.00002.
gnomAD v4.1: 11 of 1,611,384 alleles (0.00068%); highest among the groups gnomAD compares: South Asian, 0.012%; 1 homozygote.

Submission:

Ambry Genetics
Classification: Uncertain significance for Inborn genetic diseases. Last evaluated: 2019-08-30. Review status: criteria provided, single submitter. Criteria: Ambry Variant Classification Scheme 2023. Collection method: clinical testing. Allele origin: germline.
Comment: The c.2520+4T>C intronic variant results from a T to C substitution 4 nucleotides after coding exon 18 in the DST gene. This nucleotide position is not well conserved in available vertebrate species. Using the BDGP and ESEfinder splice site prediction tools, this alteration is not predicted to have any significant effect on this splice donor site; however, direct evidence is unavailable. Since supporting evidence is limited at this time, the clinical significance of this alteration remains unclear.